The following is an entry in ClinVar:

ClinVar aggregate classification (germline): Benign/Likely benign. Review status: criteria provided, multiple submitters, no conflicts (2 of 4 stars). 4 submissions from 4 submitters: Benign (1); Likely benign (2). 1 of the submissions does not count toward it. Last evaluated 2025-09-02.

Conditions:
Pheochromocytoma/paraganglioma syndrome 5. Also called: Paragangliomas 5; SDHA-Related Hereditary Paraganglioma-Pheochromocytoma Syndrome. Identifiers: Orphanet 29072, MedGen C3279992, MONDO:0013602, OMIM 614165.
SDHA-related disorder. Also called: SDHA-related condition; SDHA-related disorders.
Mitochondrial complex II deficiency, nuclear type 1. Also called: SUCCINATE CoQ REDUCTASE DEFICIENCY. Identifiers: Orphanet 3208, MedGen C5700310, MONDO:0100294, OMIM 252011.
Hereditary cancer-predisposing syndrome. Also called: Neoplastic Syndromes, Hereditary; Hereditary Cancer Syndrome; Hereditary neoplastic syndrome; Tumor predisposition. Identifiers: Orphanet 140162, MedGen C0027672, MeSH D009386, MONDO:0015356.

Allele frequency attached by ClinVar (database versions not stated): ExAC 0.00001; gnomAD 0.00001; gnomAD exomes 0.00001; TOPMed 0.00001.
gnomAD v4.1: 13 of 1,613,168 alleles (0.00081%); highest among the groups gnomAD compares: African/African-American, 0.0027%; no homozygotes.

Submissions (4):

Labcorp Genetics (formerly Invitae), Labcorp
Classification: Likely benign for Pheochromocytoma/paraganglioma syndrome 5; Mitochondrial complex II deficiency, nuclear type 1. Last evaluated: 2025-09-02. Review status: criteria provided, single submitter. Criteria: Invitae Variant Classification Sherloc (09022015). Collection method: clinical testing. Allele origin: germline.

Myriad Genetics, Inc.
Classification: Benign for Pheochromocytoma/paraganglioma syndrome 5. Last evaluated: 2025-02-28. Review status: criteria provided, single submitter. Criteria: Myriad Autosomal Dominant, Autosomal Recessive and X-Linked Classification Criteria (2023). Collection method: clinical testing. Allele origin: unknown.
Comment: This variant is considered benign. This variant is a silent/synonymous amino acid change and it is not expected to impact splicing.

Ambry Genetics
Classification: Likely benign for Hereditary cancer-predisposing syndrome. Last evaluated: 2019-11-19. Review status: criteria provided, single submitter. Criteria: Ambry Variant Classification Scheme 2023. Collection method: clinical testing. Allele origin: germline.

PreventionGenetics, part of Exact Sciences
Classification: Likely benign for SDHA-related condition. Last evaluated: 2021-12-06. Review status: no assertion criteria provided. Collection method: clinical testing. Allele origin: germline. Not counted in ClinVar's aggregate classification.
Comment: This variant is classified as likely benign based on ACMG/AMP sequence variant interpretation guidelines (Richards et al. 2015 PMID: 25741868, with internal and published modifications).

NM_004168.4(SDHA):c.477G>A (p.Pro159=)

Gene: SDHA (succinate dehydrogenase complex flavoprotein subunit A; plus strand). Cytogenetic location: 5p15.33.
Variant type: single nucleotide variant.
Coding change: c.477G>A on transcript NM_004168.4 (MANE Select); coding-DNA position 477, G replaced by A.
Protein change: p.Pro159=; no amino-acid change (proline 159 retained).
Molecular consequence: synonymous variant.
Genome position (GRCh38, 1-based): chr5:225,903, G>A. VCF-style: chr5-225903-G-A. GRCh37 (hg19) VCF-style: chr5-226018-G-A.
Other names: c.333G>A, p.Pro111= (NM_001294332.2); c.477G>A, p.Pro159= (NM_001330758.2).
Identifiers: ClinVar variation 472394 (VCV000472394.17), dbSNP rs771741537, ClinGen allele CA3172859.
Genomic context (GRCh38, chr5:225,903, plus strand): 5'-TTAAGGTGTTAAGGTTTTTGTTTGTTTTTATCTTTCACAGCTAGAAAATTATGGCATGCC[G>A]TTTAGCAGAACTGAAGATGGGAAGATTTATCAGCGTGCATTTGGTGGACAGAGCCTCAAG-3'
Protein context (NP_004159.2, residues 149-169): AVVELENYGM[Pro159=]FSRTEDGKIY